The following is an entry in ClinVar:

NM_001130438.3(SPTAN1):c.583C>T (p.Gln195Ter)

Gene: SPTAN1 (spectrin alpha, non-erythrocytic 1; plus strand). Cytogenetic location: 9q34.11.
Variant type: single nucleotide variant.
Coding change: c.583C>T on transcript NM_001130438.3 (MANE Select); coding-DNA position 583, C replaced by T.
Protein change: p.Gln195Ter; replaces glutamine 195 with a stop codon.
Molecular consequence: nonsense.
Genome position (GRCh38, 1-based): chr9:128,575,277, C>T. VCF-style: chr9-128575277-C-T. GRCh37 (hg19) VCF-style: chr9-131337556-C-T.
Other names: c.583C>T, p.Gln195Ter (NM_001195532.2, NM_001363759.2, NM_001363765.2 and 5 more transcripts); c.619C>T, p.Gln207Ter (NM_001375312.2, NM_001375318.1); short protein forms Q195*, Q207*.
Identifiers: ClinVar variation 1314328 (VCV001314328.2), dbSNP rs2130976217, ClinGen allele CA375053213.

ClinVar aggregate classification (germline): Uncertain significance (1 of 4 stars; one submission).

Submission:

GeneDx
Classification: Uncertain significance. Last evaluated: 2021-03-31. Review status: criteria provided, single submitter. Criteria: GeneDx Variant Classification Process June 2021. Collection method: clinical testing. Allele origin: germline. Affected: yes.
Comment: Not observed in large population cohorts (Lek et al., 2016); Nonsense variant predicted to result in protein truncation or nonsense mediated decay in a gene for which loss-of-function is not a known mechanism of disease; Has not been previously published as pathogenic or benign to our knowledge